The following is an entry in ClinVar:

ClinVar aggregate classification (germline): Uncertain significance (1 of 4 stars; one submission).

Conditions:
Retinoblastoma (RB1). Also called: RETINOBLASTOMA, SOMATIC. Identifiers: Orphanet 790, MedGen C0035335, MeSH D012175, MONDO:0008380, OMIM 180200, HP:0009919. Disease mechanism: loss of function. Inheritance: Both sporadic and heritable forms are tested..

Submission:

Labcorp Genetics (formerly Invitae), Labcorp
Classification: Uncertain significance for Retinoblastoma. Last evaluated: 2025-12-23. Review status: criteria provided, single submitter. Criteria: Invitae Variant Classification Sherloc (09022015). Collection method: clinical testing. Allele origin: germline.
Comment: This variant occurs in a non-coding region of the RB1 gene. It does not change the encoded amino acid sequence of the RB1 protein. This variant is not present in population databases (gnomAD no frequency). This variant has not been reported in the literature in individuals affected with RB1-related conditions. In summary, the available evidence is currently insufficient to determine the role of this variant in disease. Therefore, it has been classified as a Variant of Uncertain Significance.

NM_000321.3(RB1):c.-53G>A

Gene: RB1 (RB transcriptional corepressor 1; plus strand). Cytogenetic location: 13q14.2.
Variant type: single nucleotide variant.
Coding change: c.-53G>A on transcript NM_000321.3 (MANE Select); 53 bases upstream of the start codon, G replaced by A.
Molecular consequence: 5 prime UTR variant.
Genome position (GRCh38, 1-based): chr13:48,303,860, G>A. VCF-style: chr13-48303860-G-A. GRCh37 (hg19) VCF-style: chr13-48877996-G-A.
Other names: c.-53G>A (NM_001407165.1, NM_001407166.1, NM_001407167.1).
Identifiers: ClinVar variation 4737331 (VCV004737331.1).